The following is an entry in ClinVar:

ClinVar aggregate classification (germline): Likely benign (1 of 4 stars; one submission).

Conditions:
CHD7-related disorder. Also called: CHD7-related condition.

gnomAD v4.1: 2 of 1,610,628 alleles (0.00012%); highest among the groups gnomAD compares: South Asian, 0.0011%; no homozygotes.

Submission:

PreventionGenetics, part of Exact Sciences
Classification: Likely benign for CHD7-related condition. Last evaluated: 2024-10-09. Review status: criteria provided, single submitter. Criteria: ACMG Guidelines, 2015. Collection method: clinical testing. Allele origin: germline.
Comment: This variant is classified as likely benign based on ACMG/AMP sequence variant interpretation guidelines (Richards et al. 2015 PMID: 25741868, with internal and published modifications).

NM_017780.4(CHD7):c.2559G>A (p.Gln853=)

Gene: CHD7 (chromodomain helicase DNA binding protein 7; plus strand). Cytogenetic location: 8q12.2.
Variant type: single nucleotide variant.
Coding change: c.2559G>A on transcript NM_017780.4 (MANE Select); coding-DNA position 2559, G replaced by A.
Protein change: p.Gln853=; no amino-acid change (glutamine 853 retained).
Molecular consequence: synonymous variant. On other transcripts: intron variant (1).
Genome position (GRCh38, 1-based): chr8:60,816,447, G>A. VCF-style: chr8-60816447-G-A. GRCh37 (hg19) VCF-style: chr8-61729006-G-A.
Other names: c.1716+35397G>A (NM_001316690.1).
Identifiers: ClinVar variation 4993449 (VCV004993449.1).